The following is an entry in ClinVar:

ClinVar aggregate classification (germline): Pathogenic. Review status: criteria provided, multiple submitters, no conflicts (2 of 4 stars). 4 submissions from 4 submitters: Pathogenic (4). Last evaluated 2025-06-01.

Conditions:
PABPN1-related disorders.
Oculopharyngeal muscular dystrophy 1 (OPMD1). Identifiers: MedGen CN376802, MONDO:0958176, OMIM 164300.
Oculopharyngeal muscular dystrophy. Identifiers: Orphanet 270, MedGen C0270952, MONDO:0008116.

Submissions (4):

CeGaT Center for Human Genetics Tuebingen
Classification: Pathogenic. Last evaluated: 2025-06-01. Review status: criteria provided, single submitter. Criteria: CeGaT Center For Human Genetics Tuebingen Variant Classification Criteria Version 2. Collection method: clinical testing. Allele origin: germline. Affected: yes. Observed: 2 variant alleles.
Comment: PABPN1: PM1:Strong, PS4, PM2, PM4

Fulgent Genetics
Classification: Pathogenic for Oculopharyngeal muscular dystrophy 1. Last evaluated: 2024-03-19. Review status: criteria provided, single submitter. Criteria: ACMG Guidelines, 2015. Collection method: clinical testing. Allele origin: germline.

Blueprint Genetics
Classification: Pathogenic for PABPN1-related disorders. Last evaluated: 2019-06-28. Review status: criteria provided, single submitter. Criteria: ACMG Guidelines, 2015. Collection method: clinical testing. Allele origin: germline. Affected: yes. Observed: 3 variant alleles.

Kasturba Medical College, Manipal, Kasturba Medical College, Manipal, Manipal Academy of Higher Education, Manipal, India
Classification: Pathogenic for Oculopharyngeal muscular dystrophy 1. Review status: criteria provided, single submitter. Criteria: ACMG Guidelines, 2015. Collection method: clinical testing. Allele origin: inherited. Inheritance: Autosomal dominant inheritance. Affected: yes.

NM_004643.4(PABPN1):c.3GGC[12] (p.Ala11_Gly12insAlaAlaAlaAlaAla)

Genes: BCL2L2-PABPN1 (BCL2L2-PABPN1 readthrough; plus strand), PABPN1 (poly(A) binding protein nuclear 1; plus strand). Cytogenetic location: 14q11.2.
Variant type: Microsatellite.
Coding change: c.3GGC[12] on transcript NM_004643.4 (MANE Select); 12 copies in a row of the 3-base unit GGC starting at c.3; the reference has seven copies in a row; five copies, 15 bases duplicated.
Protein change: p.Ala11_Gly12insAlaAlaAlaAlaAla.
Molecular consequence: inframe insertion, initiator codon variant. On other transcripts: intron variant (8).
Genome position (GRCh38, 1-based): chr14:23,321,478-23,321,492, GGCGGCGGCGGCGGC duplicated; duplicating any 15 consecutive bases within chr14:23,321,472-23,321,492 gives the same sequence; the position shown is the placement nearest the transcript's 3' end. VCF-style (leftmost placement, unchanged base first): chr14-23321471-T-TGGCGGCGGCGGCGGC. GRCh37 (hg19) VCF-style: chr14-23790680-T-TGGCGGCGGCGGCGGC.
Other names: c.3GGC[12], p.Ala11_Gly12insAlaAlaAlaAlaAla (NM_001360551.3); c.529-709GGC[12] (NM_001387343.1, NM_001387342.1, NM_001387344.1 and 1 more transcripts); c.433-709GGC[12] (NM_001387345.1, NM_001387346.1, NM_001199864.3); c.550-709GGC[12] (NM_001387340.1); c.2_3insGGCGGCGGCGGCGGC (NM_004643.4).
Identifiers: ClinVar variation 1323408 (VCV001323408.36), dbSNP rs193922941, ClinGen allele CA919376011.